The following is an entry in ClinVar:

NM_001170629.2(CHD8):c.4174-9_4174-1del

Gene: CHD8 (chromodomain helicase DNA binding protein 8; minus strand). Cytogenetic location: 14q11.2.
Variant type: Deletion.
Coding change: c.4174-9_4174-1del on transcript NM_001170629.2 (MANE Select); 9 bases into the intron before coding-DNA position 4174 through the canonical splice acceptor site of the intron before coding-DNA position 4174, 9 bases deleted (TCTTCATAG; older notation c.4174-9_4174-1delTCTTCATAG).
Molecular consequence: splice acceptor variant.
Genome position (GRCh38, 1-based): chr14:21,401,072-21,401,080, CTATGAAGA deleted on the plus strand (TCTTCATAG on the coding strand, the reverse complement: CHD8 is on the minus strand). VCF-style (leftmost placement, unchanged base first): chr14-21401071-TCTATGAAGA-T. GRCh37 (hg19) VCF-style: chr14-21869230-TCTATGAAGA-T.
Other names: c.4174-9_4174-1delTCTTCATAG (NM_001170629.1); c.3337-9_3337-1del (NM_020920.4).
Identifiers: ClinVar variation 265679 (VCV000265679.2), dbSNP rs886039725, ClinGen allele CA10588570.

ClinVar aggregate classification (germline): Pathogenic (1 of 4 stars; one submission).

Submission:

GeneDx
Classification: Pathogenic. Last evaluated: 2016-08-23. Review status: criteria provided, single submitter. Criteria: GeneDx Variant Classification (06012015). Collection method: clinical testing. Allele origin: germline. Affected: yes.
Comment: The c.4174-9_4174-1deltcttcatag pathogenic variant in the CHD8 gene has not been reportedpreviously as a pathogenic variant nor as a benign variant, to our knowledge. This splice site variantdestroys the canonical splice acceptor site in intron 20. It is predicted to cause abnormal gene splicing,either leading to an abnormal message that is subject to nonsense-mediated mRNA decay, or to anabnormal protein product if the message is used for protein translation. Thec.4174-9_4174-1deltcttcatag variant was not observed in approximately 6000 individuals of Europeanand African American ancestry in the NHLBI Exome Sequencing Project, indicating it is not acommon benign variant in these populations. We interpret c.4174-9_4174-1deltcttcatag as apathogenic variant.